The following is an entry in ClinVar:

ClinVar aggregate classification (germline): Uncertain significance (0 of 4 stars; one submission).

Conditions:
SEMA3B-related disorder. Also called: SEMA3B-related condition.

gnomAD v4.1: 8 of 1,585,176 alleles (0.0005%); highest among the groups gnomAD compares: African/African-American, 0.011%; no homozygotes.

Submission:

PreventionGenetics, part of Exact Sciences
Classification: Uncertain significance for SEMA3B-related condition. Last evaluated: 2024-08-19. Review status: no assertion criteria provided. Collection method: clinical testing. Allele origin: germline.
Comment: The SEMA3B c.983T>C variant is predicted to result in the amino acid substitution p.Leu328Pro. To our knowledge, this variant has not been reported in the literature. This variant is reported in 0.010% of alleles in individuals of African descent in gnomAD. At this time, the clinical significance of this variant is uncertain due to the absence of conclusive functional and genetic evidence.

NM_001290060.2(SEMA3B):c.968T>C (p.Leu323Pro)

Gene: SEMA3B (semaphorin 3B; plus strand). Cytogenetic location: 3p21.31.
Variant type: single nucleotide variant.
Coding change: c.968T>C on transcript NM_001290060.2 (MANE Select); coding-DNA position 968, T replaced by C.
Protein change: p.Leu323Pro; replaces leucine 323 with proline.
Molecular consequence: missense variant. On other transcripts: 5 prime UTR variant (2).
Genome position (GRCh38, 1-based): chr3:50,273,804, T>C. VCF-style: chr3-50273804-T-C. GRCh37 (hg19) VCF-style: chr3-50311235-T-C.
Other names: c.968T>C, p.Leu323Pro (NM_001005914.3, NM_004636.4); c.983T>C, p.Leu328Pro (NM_001290061.1); c.-59T>C (NM_001290062.2); c.-62T>C (NM_001290063.2); short protein forms L323P, L328P.
Identifiers: ClinVar variation 3355939 (VCV003355939.1).
Genomic context (GRCh38, chr3:50,273,804, plus strand): 5'-GCCCCTTCCCCGCAGAGGATGTGTTTCTGTTGTCCTCGCGGGACCACCGGACCCCGCTGC[T>C]CTATGCCGTCTTCTCCACGTCCAGGTGAGGGGCAGGAGGTAGGGAGCGCCCGGGGCGGGC-3'
Protein context (NP_001276989.1, residues 313-333): LSSRDHRTPL[Leu323Pro]YAVFSTSSSI